The following is an entry in ClinVar:

NM_021728.4(OTX2):c.230A>C (p.Glu77Ala)

Gene: OTX2 (orthodenticle homeobox 2; minus strand). Cytogenetic location: 14q22.3.
Variant type: single nucleotide variant.
Coding change: c.230A>C on transcript NM_021728.4 (MANE Select); coding-DNA position 230, A replaced by C.
Protein change: p.Glu77Ala; replaces glutamic acid 77 with alanine.
Molecular consequence: missense variant.
Genome position (GRCh38, 1-based): chr14:56,804,231, T>G on the plus strand (A>C on the coding strand, the complement: OTX2 is on the minus strand). VCF-style: chr14-56804231-T-G. GRCh37 (hg19) VCF-style: chr14-57270949-T-G.
Other names: c.206A>C, p.Glu69Ala (NM_001270523.2, NM_001270524.2, NM_172337.3); c.230A>C, p.Glu77Ala (NM_001270525.2); short protein forms E77A, E69A.
Identifiers: ClinVar variation 4999380 (VCV004999380.1).

ClinVar aggregate classification (germline): Uncertain significance (1 of 4 stars; one submission).

Conditions:
OTX2-related disorder. Also called: OTX2-related disorders; OTX2-related condition.

Submission:

PreventionGenetics, part of Exact Sciences
Classification: Uncertain significance for OTX2-related condition. Last evaluated: 2024-10-13. Review status: criteria provided, single submitter. Criteria: ACMG Guidelines, 2015. Collection method: clinical testing. Allele origin: germline.
Comment: The OTX2 c.206A>C variant is predicted to result in the amino acid substitution p.Glu69Ala. To our knowledge, this variant has not been reported in the literature or in a large population database (gnomAD), indicating this variant is rare. At this time, the clinical significance of this variant is uncertain due to the absence of conclusive functional and genetic evidence.